The following is an entry in ClinVar:

ClinVar aggregate classification (germline): Uncertain significance. Review status: criteria provided, multiple submitters, no conflicts (2 of 4 stars). 2 submissions from 2 submitters: Uncertain significance (2). Last evaluated 2025-02-03.

Allele frequency attached by ClinVar (database versions not stated): ESP Exome Variant Server 0.00015; TOPMed 0.00015; ExAC 0.00020; gnomAD 0.00020 and 0.00021; gnomAD exomes 0.00026 and 0.00028.
gnomAD v4.1: 442 of 1,613,892 alleles (0.027%); highest among the groups gnomAD compares: East Asian, 0.065%; no homozygotes.

Submissions (2):

Labcorp Genetics (formerly Invitae), Labcorp
Classification: Uncertain significance. Last evaluated: 2025-02-03. Review status: criteria provided, single submitter. Criteria: Invitae Variant Classification Sherloc (09022015). Collection method: clinical testing. Allele origin: germline.
Comment: This sequence change replaces arginine, which is basic and polar, with tryptophan, which is neutral and slightly polar, at codon 469 of the GRM6 protein (p.Arg469Trp). This variant is present in population databases (rs202061203, gnomAD 0.2%). This variant has not been reported in the literature in individuals affected with GRM6-related conditions. ClinVar contains an entry for this variant (Variation ID: 866780). Invitae Evidence Modeling of protein sequence and biophysical properties (such as structural, functional, and spatial information, amino acid conservation, physicochemical variation, residue mobility, and thermodynamic stability) has been performed for this missense variant. However, the output from this modeling did not meet the statistical confidence thresholds required to predict the impact of this variant on GRM6 protein function. In summary, the available evidence is currently insufficient to determine the role of this variant in disease. Therefore, it has been classified as a Variant of Uncertain Significance.

Blueprint Genetics
Classification: Uncertain significance. Last evaluated: 2024-10-25. Review status: criteria provided, single submitter. Criteria: ACMG Guidelines, 2015. Collection method: clinical testing. Allele origin: germline.

NM_000843.4(GRM6):c.1405C>T (p.Arg469Trp)

Genes: GRM6 (glutamate metabotropic receptor 6; minus strand), ZNF454 (zinc finger protein 454; plus strand). Cytogenetic location: 5q35.3.
Variant type: single nucleotide variant.
Coding change: c.1405C>T on transcript NM_000843.4 (MANE Select); coding-DNA position 1405, C replaced by T.
Protein change: p.Arg469Trp; replaces arginine 469 with tryptophan.
Molecular consequence: missense variant.
Genome position (GRCh38, 1-based): chr5:178,986,933, G>A on the plus strand (C>T on the coding strand, the complement: GRM6 is on the minus strand). VCF-style: chr5-178986933-G-A. GRCh37 (hg19) VCF-style: chr5-178413934-G-A.
Other names: short protein forms R469W.
Identifiers: ClinVar variation 866780 (VCV000866780.9), dbSNP rs202061203, ClinGen allele CA3594059.